The following is an entry in ClinVar:

ClinVar aggregate classification (germline): Uncertain significance (1 of 4 stars; one submission).

Submission:

Labcorp Genetics (formerly Invitae), Labcorp
Classification: Uncertain significance. Last evaluated: 2025-09-23. Review status: criteria provided, single submitter. Criteria: Invitae Variant Classification Sherloc (09022015). Collection method: clinical testing. Allele origin: germline.
Comment: This sequence change replaces glycine, which is neutral and non-polar, with glutamic acid, which is acidic and polar, at codon 685 of the CSF2RB protein (p.Gly685Glu). This variant is not present in population databases (gnomAD no frequency). This variant has not been reported in the literature in individuals affected with CSF2RB-related conditions. Invitae Evidence Modeling of protein sequence and biophysical properties (such as structural, functional, and spatial information, amino acid conservation, physicochemical variation, residue mobility, and thermodynamic stability) indicates that this missense variant is not expected to disrupt CSF2RB protein function with a negative predictive value of 80%. In summary, the available evidence is currently insufficient to determine the role of this variant in disease. Therefore, it has been classified as a Variant of Uncertain Significance.

NM_000395.3(CSF2RB):c.2054G>A (p.Gly685Glu)

Gene: CSF2RB (colony stimulating factor 2 receptor subunit beta; plus strand). Cytogenetic location: 22q12.3.
Variant type: single nucleotide variant.
Coding change: c.2054G>A on transcript NM_000395.3 (MANE Select); coding-DNA position 2054, G replaced by A.
Protein change: p.Gly685Glu; replaces glycine 685 with glutamic acid.
Molecular consequence: missense variant.
Genome position (GRCh38, 1-based): chr22:36,937,862, G>A. VCF-style: chr22-36937862-G-A. GRCh37 (hg19) VCF-style: chr22-37333904-G-A.
Other names: c.2072G>A, p.Gly691Glu (NM_001410827.1); short protein forms G691E, G685E.
Identifiers: ClinVar variation 4746854 (VCV004746854.1).
Genomic context (GRCh38, chr22:36,937,862, plus strand): 5'-GTCCCTCCCTGGAGTCCGGGGGAGGCCCTGCCCCTCCTGCTCTTGGGCCAAGGGTGGGAG[G>A]ACAGGACCAAAAGGACAGCCCTGTGGCTATACCCATGAGCTCTGGGGACACTGAGGACCC-3'
Protein context (NP_000386.1, residues 675-695): APPALGPRVG[Gly685Glu]QDQKDSPVAI